The following is an entry in ClinVar:

NM_018129.4(PNPO):c.263G>T (p.Arg88Ile)

Gene: PNPO (pyridoxamine 5'-phosphate oxidase; plus strand). Cytogenetic location: 17q21.32.
Variant type: single nucleotide variant.
Coding change: c.263G>T on transcript NM_018129.4 (MANE Select); coding-DNA position 263, G replaced by T.
Protein change: p.Arg88Ile; replaces arginine 88 with isoleucine.
Molecular consequence: missense variant.
Genome position (GRCh38, 1-based): chr17:47,943,430, G>T. VCF-style: chr17-47943430-G-T. GRCh37 (hg19) VCF-style: chr17-46020796-G-T.
Other names: short protein forms R88I.
Identifiers: ClinVar variation 1399030 (VCV001399030.6), dbSNP rs2144160841, ClinGen allele CA400056628.

ClinVar aggregate classification (germline): Uncertain significance (1 of 4 stars; one submission).

Conditions:
Pyridoxal phosphate-responsive seizures (PNPOD). Also called: Pyridoxine-5'-phosphate oxidase deficiency; Pyridoxal 5'-Phosphate (PLP)-Dependent Epilepsy; EPILEPTIC ENCEPHALOPATHY, NEONATAL, PNPO-RELATED; SEIZURES, PYRIDOXINE-RESISTANT, PLP-SENSITIVE; Pyridoxamine 5-Prime-Phosphate Oxidase Deficiency. Identifiers: Orphanet 79096, MedGen C1864723, MONDO:0012407, OMIM 610090. Disease mechanism: loss of function.

Submission:

Labcorp Genetics (formerly Invitae), Labcorp
Classification: Uncertain significance for Pyridoxal phosphate-responsive seizures. Last evaluated: 2022-02-10. Review status: criteria provided, single submitter. Criteria: Invitae Variant Classification Sherloc (09022015). Collection method: clinical testing. Allele origin: germline.
Comment: This sequence change replaces arginine, which is basic and polar, with isoleucine, which is neutral and non-polar, at codon 88 of the PNPO protein (p.Arg88Ile). This variant also falls at the last nucleotide of exon 2, which is part of the consensus splice site for this exon. This variant is not present in population databases (gnomAD no frequency). This variant has not been reported in the literature in individuals affected with PNPO-related conditions. Algorithms developed to predict the effect of missense changes on protein structure and function are either unavailable or do not agree on the potential impact of this missense change (SIFT: "Tolerated"; PolyPhen-2: "Possibly Damaging"; Align-GVGD: "Class C0"). Variants that disrupt the consensus splice site are a relatively common cause of aberrant splicing (PMID: 17576681, 9536098). Algorithms developed to predict the effect of sequence changes on RNA splicing suggest that this variant may disrupt the consensus splice site. In summary, the available evidence is currently insufficient to determine the role of this variant in disease. Therefore, it has been classified as a Variant of Uncertain Significance.

Literature cited by the submitters: PubMed 17576681; PubMed 9536098.